The following is an entry in ClinVar:

NM_000384.3(APOB):c.6604A>T (p.Ile2202Phe)

Gene: APOB (apolipoprotein B; minus strand). Cytogenetic location: 2p24.1.
Variant type: single nucleotide variant.
Coding change: c.6604A>T on transcript NM_000384.3 (MANE Select); coding-DNA position 6604, A replaced by T.
Protein change: p.Ile2202Phe; replaces isoleucine 2202 with phenylalanine.
Molecular consequence: missense variant.
Genome position (GRCh38, 1-based): chr2:21,010,264, T>A on the plus strand (A>T on the coding strand, the complement: APOB is on the minus strand). VCF-style: chr2-21010264-T-A. GRCh37 (hg19) VCF-style: chr2-21233136-T-A.
Other names: short protein forms I2202F.
Identifiers: ClinVar variation 3933351 (VCV003933351.1).
Genomic context (GRCh38, chr2:21,010,264, plus strand): 5'-AATTTACACGGATATGATAGTGCTCATCAAGACTTTTTAATTTTTCAATGATTTCATCAA[T>A]AATATTAGCAATAGCTATTTTCAAATCATGTAAATCATAACTATCTTTAATATACTGATC-3'
Protein context (NP_000375.3, residues 2192-2212): HDLKIAIANI[Ile2202Phe]DEIIEKLKSL

ClinVar aggregate classification (germline): Uncertain significance (1 of 4 stars; one submission).

Conditions:
Cardiovascular phenotype. Identifiers: MedGen CN230736.

Submission:

Ambry Genetics
Classification: Uncertain significance for Cardiovascular phenotype. Last evaluated: 2025-06-07. Review status: criteria provided, single submitter. Criteria: Ambry Variant Classification Scheme 2023. Collection method: clinical testing. Allele origin: germline.
Comment: The p.I2202F variant (also known as c.6604A>T), located in coding exon 26 of the APOB gene, results from an A to T substitution at nucleotide position 6604. The isoleucine at codon 2202 is replaced by phenylalanine, an amino acid with highly similar properties. This amino acid position is conserved. In addition, this alteration is predicted to be tolerated by in silico analysis. Based on the available evidence, the clinical significance of this variant remains unclear.